The following is an entry in ClinVar:

NM_207581.4(DUOXA2):c.753G>T (p.Trp251Cys)

Gene: DUOXA2 (dual oxidase maturation factor 2; plus strand). Cytogenetic location: 15q21.1.
Variant type: single nucleotide variant.
Coding change: c.753G>T on transcript NM_207581.4 (MANE Select); coding-DNA position 753, G replaced by T.
Protein change: p.Trp251Cys; replaces tryptophan 251 with cysteine.
Molecular consequence: missense variant.
Genome position (GRCh38, 1-based): chr15:45,117,289, G>T. VCF-style: chr15-45117289-G-T. GRCh37 (hg19) VCF-style: chr15-45409487-G-T.
Other names: short protein forms W251C.
Identifiers: ClinVar variation 725087 (VCV000725087.8), dbSNP rs769776095, ClinGen allele CA7539510.

ClinVar aggregate classification (germline): Conflicting classifications of pathogenicity. Review status: criteria provided, conflicting classifications (1 of 4 stars). 4 submissions from 4 submitters: Uncertain significance (2); Likely benign (1). 1 of the submissions does not count toward it. Last evaluated 2024-04-12.

Conditions:
DUOXA2-related disorder. Also called: DUOXA2-related condition.
Inborn genetic diseases. Identifiers: MedGen C0950123, MeSH D030342.

Allele frequency attached by ClinVar (database versions not stated): gnomAD 0.00007; TOPMed 0.00010; ExAC 0.00034.
gnomAD v4.1: 83 of 1,598,034 alleles (0.0052%); highest among the groups gnomAD compares: Admixed American, 0.14%; no homozygotes.

Submissions (4):

Women's Health and Genetics/Laboratory Corporation of America, LabCorp
Classification: Uncertain significance. Last evaluated: 2024-04-12. Review status: criteria provided, single submitter. Criteria: LabCorp Variant Classification Summary - May 2015. Collection method: clinical testing. Allele origin: germline.
Comment: Variant summary: DUOXA2 c.753G>T (p.Trp251Cys) results in a non-conservative amino acid change in the encoded protein sequence. Four of five in-silico tools predict a damaging effect of the variant on protein function. The variant allele was found at a frequency of 0.00028 in 233068 control chromosomes, predominantly at a frequency of 0.0019 within the Latino subpopulation in the gnomAD database. To our knowledge, no occurrence of c.753G>T in individuals affected with Thyroglobulin synthesis defect and no experimental evidence demonstrating its impact on protein function have been reported. ClinVar contains an entry for this variant (Variation ID: 725087). Based on the evidence outlined above, the variant was classified as uncertain significance.

Ambry Genetics
Classification: Uncertain significance for Inborn genetic diseases. Last evaluated: 2021-06-24. Review status: criteria provided, single submitter. Criteria: Ambry Variant Classification Scheme 2023. Collection method: clinical testing. Allele origin: germline.

Labcorp Genetics (formerly Invitae), Labcorp
Classification: Likely benign. Last evaluated: 2018-06-01. Review status: criteria provided, single submitter. Criteria: Invitae Variant Classification Sherloc (09022015). Collection method: clinical testing. Allele origin: germline.

PreventionGenetics, part of Exact Sciences
Classification: Likely benign for DUOXA2-related condition. Last evaluated: 2022-03-03. Review status: no assertion criteria provided. Collection method: clinical testing. Allele origin: germline. Not counted in ClinVar's aggregate classification.
Comment: This variant is classified as likely benign based on ACMG/AMP sequence variant interpretation guidelines (Richards et al. 2015 PMID: 25741868, with internal and published modifications).